The following is an entry in ClinVar:

NM_020436.5(SALL4):c.42GGA[2] (p.Glu16del)

Gene: SALL4 (spalt like transcription factor 4; minus strand). Cytogenetic location: 20q13.2.
Variant type: Microsatellite.
Coding change: c.42GGA[2] on transcript NM_020436.5 (MANE Select); two copies in a row of the 3-base unit GGA starting at c.42; the reference has three copies in a row; one copy, 3 bases deleted; also written c.48_50del.
Protein change: p.Glu16del; deletes glutamic acid 16.
Molecular consequence: inframe deletion.
Genome position (GRCh38, 1-based): chr20:51,802,359-51,802,361, TCC deleted on the plus strand (GGA on the coding strand, the reverse complement: SALL4 is on the minus strand); deleting any 3 consecutive bases within chr20:51,802,359-51,802,367 gives the same sequence; the position shown is the placement nearest the transcript's 3' end. VCF-style (leftmost placement, unchanged base first): chr20-51802358-GTCC-G. GRCh37 (hg19) VCF-style: chr20-50418897-GTCC-G.
Other names: c.42GGA[2], p.Glu16del (NM_001318031.2); c.48_50del (NM_020436.5); short protein forms E16del.
Identifiers: ClinVar variation 4884057 (VCV004884057.2).

ClinVar aggregate classification (germline): Uncertain significance (1 of 4 stars; one submission).

Submission:

Dasa
Classification: Uncertain significance. Last evaluated: 2026-03-29. Review status: criteria provided, single submitter. Criteria: DASA Assertion Criteria. Collection method: clinical testing. Allele origin: germline.
Comment: NM_020436.5(SALL4):c.48_50del (p.Glu16del) is an in-frame deletion predicted to remove glutamic acid at protein position 16 without shifting the reading frame. This variant is rare in population databases. The currently available literature and clinical evidence are not sufficient to establish a definitive association between this variant and the reported condition. Therefore, this variant is classified as a variant of uncertain significance.